The following is an entry in ClinVar:

ClinVar aggregate classification (germline): Likely benign. Review status: criteria provided, multiple submitters, no conflicts (2 of 4 stars). 3 submissions from 3 submitters: Likely benign (3). Last evaluated 2025-12-08.

Conditions:
Cardiovascular phenotype. Identifiers: MedGen CN230736.
Dilated cardiomyopathy 1G (CMD1G). Identifiers: Orphanet 154, MedGen C1858763, MONDO:0011400, OMIM 604145.
Autosomal recessive limb-girdle muscular dystrophy type 2J (LGMDR10). Also called: Limb-girdle muscular dystrophy, type 2J; MUSCULAR DYSTROPHY, LIMB-GIRDLE, AUTOSOMAL RECESSIVE 10. Identifiers: Orphanet 140922, MedGen C1837342, MONDO:0012127, OMIM 608807.

Allele frequency attached by ClinVar (database versions not stated): TOPMed below 0.00001; gnomAD exomes 0.00001.
gnomAD v4.1: 12 of 1,613,726 alleles (0.00074%); highest among the groups gnomAD compares: Non-Finnish European, 0.001%; no homozygotes.

Submissions (3):

Labcorp Genetics (formerly Invitae), Labcorp
Classification: Likely benign for Dilated cardiomyopathy 1G; Autosomal recessive limb-girdle muscular dystrophy type 2J. Last evaluated: 2025-12-08. Review status: criteria provided, single submitter. Criteria: Invitae Variant Classification Sherloc (09022015). Collection method: clinical testing. Allele origin: germline.

Ambry Genetics
Classification: Likely benign for Cardiovascular phenotype. Last evaluated: 2020-07-12. Review status: criteria provided, single submitter. Criteria: Ambry Variant Classification Scheme 2023. Collection method: clinical testing. Allele origin: germline.

GeneDx
Classification: Likely benign. Last evaluated: 2017-03-02. Review status: criteria provided, single submitter. Criteria: GeneDx Variant Classification (06012015). Collection method: clinical testing. Allele origin: germline. Affected: yes.
Comment: This variant is considered likely benign or benign based on one or more of the following criteria: it is a conservative change, it occurs at a poorly conserved position in the protein, it is predicted to be benign by multiple in silico algorithms, and/or has population frequency not consistent with disease.

NM_001267550.2(TTN):c.86883G>A (p.Leu28961=)

Genes: TTN-AS1 (TTN antisense RNA 1; plus strand), TTN (titin; minus strand). Cytogenetic location: 2q31.2.
Variant type: single nucleotide variant.
Coding change: c.86883G>A on transcript NM_001267550.2 (MANE Select); coding-DNA position 86883, G replaced by A.
Protein change: p.Leu28961=; no amino-acid change (leucine 28961 retained).
Molecular consequence: synonymous variant.
Genome position (GRCh38, 1-based): chr2:178,558,576, C>T on the plus strand (G>A on the coding strand, the complement: TTN is on the minus strand). VCF-style: chr2-178558576-C-T. GRCh37 (hg19) VCF-style: chr2-179423303-C-T.
Other names: c.81960G>A, p.Leu27320= (NM_001256850.1); c.59688G>A, p.Leu19896= (NM_003319.4); c.79179G>A, p.Leu26393= (NM_133378.4); c.60063G>A, p.Leu20021= (NM_133432.3); c.60264G>A, p.Leu20088= (NM_133437.4).
Identifiers: ClinVar variation 507847 (VCV000507847.11), dbSNP rs1484822645, ClinGen allele CA430247815.